The following is an entry in ClinVar:

NM_020975.6(RET):c.2525A>T (p.Asp842Val)

Gene: RET (ret proto-oncogene; plus strand). Cytogenetic location: 10q11.21.
Variant type: single nucleotide variant.
Coding change: c.2525A>T on transcript NM_020975.6 (MANE Select); coding-DNA position 2525, A replaced by T.
Protein change: p.Asp842Val; replaces aspartic acid 842 with valine.
Molecular consequence: missense variant.
Genome position (GRCh38, 1-based): chr10:43,119,663, A>T. VCF-style: chr10-43119663-A-T. GRCh37 (hg19) VCF-style: chr10-43615111-A-T.
Other names: c.1493A>T, p.Asp498Val (NM_001406787.1); c.1340A>T, p.Asp447Val (NM_001406788.1, NM_001406789.1, NM_001406790.1); c.1220A>T, p.Asp407Val (NM_001406791.1); c.1076A>T, p.Asp359Val (NM_001406792.1, NM_001406793.1, NM_001406794.1); c.1763A>T, p.Asp588Val (NM_001355216.2); c.2525A>T, p.Asp842Val (NM_001406743.1, NM_001406744.1, NM_001406759.1 and 2 more transcripts); c.2129A>T, p.Asp710Val (NM_001406769.1, NM_001406772.1); c.2237A>T, p.Asp746Val (NM_001406770.1, NM_001406766.1, NM_001406767.1); and 10 more; short protein forms D359V, D498V, D512V, D543V, D588V, D710V, D447V, D503V.
Identifiers: ClinVar variation 4152786 (VCV004152786.1).

ClinVar aggregate classification (germline): Uncertain significance (1 of 4 stars; one submission).

Conditions:
Hereditary cancer-predisposing syndrome. Also called: Neoplastic Syndromes, Hereditary; Tumor predisposition; Hereditary Cancer Syndrome; Hereditary neoplastic syndrome. Identifiers: Orphanet 140162, MedGen C0027672, MeSH D009386, MONDO:0015356.

Submission:

Ambry Genetics
Classification: Uncertain significance for Hereditary cancer-predisposing syndrome. Last evaluated: 2025-06-24. Review status: criteria provided, single submitter. Criteria: Ambry Variant Classification Scheme 2023. Collection method: clinical testing. Allele origin: germline.
Comment: The p.D842V variant (also known as c.2525A>T), located in coding exon 14 of the RET gene, results from an A to T substitution at nucleotide position 2525. The aspartic acid at codon 842 is replaced by valine, an amino acid with highly dissimilar properties. This amino acid position is well conserved in available vertebrate species. In addition, the in silico prediction for this alteration is inconclusive. Based on the available evidence, the clinical significance of this variant remains unclear.